The following is an entry in ClinVar:

NM_001035.3(RYR2):c.6274T>C (p.Tyr2092His)

Gene: RYR2 (ryanodine receptor 2; plus strand). Cytogenetic location: 1q43.
Variant type: single nucleotide variant.
Coding change: c.6274T>C on transcript NM_001035.3 (MANE Select); coding-DNA position 6274, T replaced by C.
Protein change: p.Tyr2092His; replaces tyrosine 2092 with histidine.
Molecular consequence: missense variant.
Genome position (GRCh38, 1-based): chr1:237,627,914, T>C. VCF-style: chr1-237627914-T-C. GRCh37 (hg19) VCF-style: chr1-237791214-T-C.
Other names: short protein forms Y2092H.
Identifiers: ClinVar variation 1909913 (VCV001909913.5), dbSNP rs2546888463, ClinGen allele CA345410939.

ClinVar aggregate classification (germline): Uncertain significance (1 of 4 stars; one submission).

Conditions:
Catecholaminergic polymorphic ventricular tachycardia 1. Also called: RYR2-Related Catecholaminergic Polymorphic Ventricular Tachycardia; VENTRICULAR TACHYCARDIA, STRESS-INDUCED POLYMORPHIC 1; VENTRICULAR TACHYCARDIA, CATECHOLAMINERGIC POLYMORPHIC, 1, WITH OR WITHOUT ATRIAL DYSFUNCTION AND/OR DILATED CARDIOMYOPATHY. Identifiers: Orphanet 3286, MedGen C1631597, MONDO:0011484, OMIM 604772.

Submission:

Labcorp Genetics (formerly Invitae), Labcorp
Classification: Uncertain significance for Catecholaminergic polymorphic ventricular tachycardia 1. Last evaluated: 2022-01-05. Review status: criteria provided, single submitter. Criteria: Invitae Variant Classification Sherloc (09022015). Collection method: clinical testing. Allele origin: germline.
Comment: In summary, the available evidence is currently insufficient to determine the role of this variant in disease. Therefore, it has been classified as a Variant of Uncertain Significance. Advanced modeling of protein sequence and biophysical properties (such as structural, functional, and spatial information, amino acid conservation, physicochemical variation, residue mobility, and thermodynamic stability) performed at Invitae indicates that this missense variant is expected to disrupt RYR2 protein function. This variant has not been reported in the literature in individuals affected with RYR2-related conditions. This variant is not present in population databases (gnomAD no frequency). This sequence change replaces tyrosine, which is neutral and polar, with histidine, which is basic and polar, at codon 2092 of the RYR2 protein (p.Tyr2092His).